The following is an entry in ClinVar:

NM_198578.4(LRRK2):c.3316G>C (p.Val1106Leu)

Gene: LRRK2 (leucine rich repeat kinase 2; plus strand). Cytogenetic location: 12q12.
Variant type: single nucleotide variant.
Coding change: c.3316G>C on transcript NM_198578.4 (MANE Select); coding-DNA position 3316, G replaced by C.
Protein change: p.Val1106Leu; replaces valine 1106 with leucine.
Molecular consequence: missense variant.
Genome position (GRCh38, 1-based): chr12:40,298,462, G>C. VCF-style: chr12-40298462-G-C. GRCh37 (hg19) VCF-style: chr12-40692264-G-C.
Other names: short protein forms V1106L.
Identifiers: ClinVar variation 2422104 (VCV002422104.6), dbSNP rs1481986274, ClinGen allele CA384415154.

ClinVar aggregate classification (germline): Uncertain significance (1 of 4 stars; one submission).

Conditions:
Autosomal dominant Parkinson disease 8. Also called: Parkinson disease 8, susceptibility to; LRRK2-Related Parkinson Disease; Parkinson disease 8. Identifiers: Orphanet 411602, MedGen C1846862, MONDO:0011764, OMIM 607060.

Allele frequency attached by ClinVar (database versions not stated): TOPMed below 0.00001; gnomAD 0.00001.
gnomAD v4.1: 14 of 1,613,770 alleles (0.00087%); highest among the groups gnomAD compares: Non-Finnish European, 0.0011%; no homozygotes.

Submission:

Labcorp Genetics (formerly Invitae), Labcorp
Classification: Uncertain significance for Autosomal dominant Parkinson disease 8. Last evaluated: 2024-07-18. Review status: criteria provided, single submitter. Criteria: Invitae Variant Classification Sherloc (09022015). Collection method: clinical testing. Allele origin: germline.
Comment: This sequence change replaces valine, which is neutral and non-polar, with leucine, which is neutral and non-polar, at codon 1106 of the LRRK2 protein (p.Val1106Leu). This variant is not present in population databases (gnomAD no frequency). This variant has not been reported in the literature in individuals affected with LRRK2-related conditions. ClinVar contains an entry for this variant (Variation ID: 2422104). Advanced modeling of protein sequence and biophysical properties (such as structural, functional, and spatial information, amino acid conservation, physicochemical variation, residue mobility, and thermodynamic stability) has been performed at Invitae for this missense variant, however the output from this modeling did not meet the statistical confidence thresholds required to predict the impact of this variant on LRRK2 protein function. In summary, the available evidence is currently insufficient to determine the role of this variant in disease. Therefore, it has been classified as a Variant of Uncertain Significance.